The following is an entry in ClinVar:

ClinVar aggregate classification (germline): Likely benign (0 of 4 stars; one submission).

Conditions:
IFT172-related disorder. Also called: IFT172-related disorders; IFT172-related condition.

Allele frequency attached by ClinVar (database versions not stated): gnomAD 0.00001.
gnomAD v4.1: 2 of 1,613,836 alleles (0.00012%); highest among the groups gnomAD compares: Non-Finnish European, 0.00017%; no homozygotes.

Submission:

PreventionGenetics, part of Exact Sciences
Classification: Likely benign for IFT172-related condition. Last evaluated: 2023-04-13. Review status: no assertion criteria provided. Collection method: clinical testing. Allele origin: germline.
Comment: This variant is classified as likely benign based on ACMG/AMP sequence variant interpretation guidelines (Richards et al. 2015 PMID: 25741868, with internal and published modifications).

NM_015662.3(IFT172):c.3631T>C (p.Leu1211=)

Genes: IFT172 (intraflagellar transport 172; minus strand), LOC126806173 (BRD4-independent group 4 enhancer GRCh37_chr2:27676057-27677256; plus strand). Cytogenetic location: 2p23.3.
Variant type: single nucleotide variant.
Coding change: c.3631T>C on transcript NM_015662.3 (MANE Select); coding-DNA position 3631, T replaced by C.
Protein change: p.Leu1211=; no amino-acid change (leucine 1211 retained).
Molecular consequence: synonymous variant.
Genome position (GRCh38, 1-based): chr2:27,454,062, A>G on the plus strand (T>C on the coding strand, the complement: IFT172 is on the minus strand). VCF-style: chr2-27454062-A-G. GRCh37 (hg19) VCF-style: chr2-27676929-A-G.
Other names: c.3565T>C, p.Leu1189= (NM_001410739.1).
Identifiers: ClinVar variation 3045748 (VCV003045748.2), dbSNP rs1376355040, ClinGen allele CA425396417.